The following is an entry in ClinVar:

ClinVar aggregate classification (germline): Uncertain significance. Review status: criteria provided, multiple submitters, no conflicts (2 of 4 stars). 2 submissions from 2 submitters: Uncertain significance (2). Last evaluated 2025-05-27.

Conditions:
Bardet-Biedl syndrome 15 (BBS15). Identifiers: Orphanet 110, MedGen C3150127, MONDO:0014443, OMIM 615992.
Heart defect - tongue hamartoma - polysyndactyly syndrome. Also called: Congenital heart defects, hamartomas of tongue, and polysyndactyly. Identifiers: Orphanet 1338, MedGen C1857587, MONDO:0009008, OMIM 217085.
Bardet-Biedl syndrome (BBS). Identifiers: Orphanet 110, MedGen C0752166, MONDO:0015229.

Allele frequency attached by ClinVar (database versions not stated): gnomAD exomes below 0.00001.
gnomAD v4.1: 1 of 1,614,094 alleles (0.000062%); highest among the groups gnomAD compares: Non-Finnish European, 0.000085%; no homozygotes.

Submissions (2):

Labcorp Genetics (formerly Invitae), Labcorp
Classification: Uncertain significance for Bardet-Biedl syndrome. Last evaluated: 2025-05-27. Review status: criteria provided, single submitter. Criteria: Invitae Variant Classification Sherloc (09022015). Collection method: clinical testing. Allele origin: germline.
Comment: This sequence change replaces glutamine, which is neutral and polar, with arginine, which is basic and polar, at codon 447 of the WDPCP protein (p.Gln447Arg). This variant is not present in population databases (gnomAD no frequency). This variant has not been reported in the literature in individuals affected with WDPCP-related conditions. ClinVar contains an entry for this variant (Variation ID: 1352451). Invitae Evidence Modeling of protein sequence and biophysical properties (such as structural, functional, and spatial information, amino acid conservation, physicochemical variation, residue mobility, and thermodynamic stability) indicates that this missense variant is not expected to disrupt WDPCP protein function with a negative predictive value of 80%. In summary, the available evidence is currently insufficient to determine the role of this variant in disease. Therefore, it has been classified as a Variant of Uncertain Significance.

Fulgent Genetics
Classification: Uncertain significance for Heart defect - tongue hamartoma - polysyndactyly syndrome; Bardet-Biedl syndrome 15. Last evaluated: 2022-04-23. Review status: criteria provided, single submitter. Criteria: ACMG Guidelines, 2015. Collection method: clinical testing. Allele origin: unknown.

NM_015910.7(WDPCP):c.1340A>G (p.Gln447Arg)

Gene: WDPCP (WD repeat containing planar cell polarity effector; minus strand). Cytogenetic location: 2p15.
Variant type: single nucleotide variant.
Coding change: c.1340A>G on transcript NM_015910.7 (MANE Select); coding-DNA position 1340, A replaced by G.
Protein change: p.Gln447Arg; replaces glutamine 447 with arginine.
Molecular consequence: missense variant. On other transcripts: non-coding transcript variant (3).
Genome position (GRCh38, 1-based): chr2:63,404,143, T>C on the plus strand (A>G on the coding strand, the complement: WDPCP is on the minus strand). VCF-style: chr2-63404143-T-C. GRCh37 (hg19) VCF-style: chr2-63631278-T-C.
Other names: c.863A>G, p.Gln288Arg (NM_001042692.3); c.1268A>G, p.Gln423Arg (NM_001354044.2); c.1340A>G, p.Gln447Arg (NM_001354045.2); short protein forms Q288R, Q447R, Q423R.
Identifiers: ClinVar variation 1352451 (VCV001352451.7), dbSNP rs2105185377, ClinGen allele CA347064624.